The following is an entry in ClinVar:

ClinVar aggregate classification (germline): Benign/Likely benign. Review status: criteria provided, multiple submitters, no conflicts (2 of 4 stars). 3 submissions from 3 submitters: Benign (1); Likely benign (2). Last evaluated 2025-06-03.

Conditions:
Hereditary cancer-predisposing syndrome. Also called: Tumor predisposition; Neoplastic Syndromes, Hereditary; Hereditary Cancer Syndrome; Hereditary neoplastic syndrome. Identifiers: Orphanet 140162, MedGen C0027672, MeSH D009386, MONDO:0015356.
Tuberous sclerosis 2 (TSC2). Identifiers: Orphanet 805, MedGen C1860707, MONDO:0013199, OMIM 613254.

gnomAD v4.1: 1 of 1,604,126 alleles (0.000062%); highest among the groups gnomAD compares: Non-Finnish European, 0.000085%; no homozygotes.

Submissions (3):

Myriad Genetics, Inc.
Classification: Benign for Tuberous sclerosis 2. Last evaluated: 2025-06-03. Review status: criteria provided, single submitter. Criteria: Myriad Autosomal Dominant, Autosomal Recessive and X-Linked Classification Criteria (2023). Collection method: clinical testing. Allele origin: unknown.
Comment: This variant is considered benign. This variant is a silent/synonymous amino acid change and it is not expected to impact splicing.

Labcorp Genetics (formerly Invitae), Labcorp
Classification: Likely benign for Tuberous sclerosis 2. Last evaluated: 2025-03-19. Review status: criteria provided, single submitter. Criteria: Invitae Variant Classification Sherloc (09022015). Collection method: clinical testing. Allele origin: germline.

Ambry Genetics
Classification: Likely benign for Hereditary cancer-predisposing syndrome. Last evaluated: 2024-10-25. Review status: criteria provided, single submitter. Criteria: Ambry Variant Classification Scheme 2023. Collection method: clinical testing. Allele origin: germline.

NM_000548.5(TSC2):c.4375C>A (p.Arg1459=)

Gene: TSC2 (TSC complex subunit 2; plus strand). Cytogenetic location: 16p13.3.
Variant type: single nucleotide variant.
Coding change: c.4375C>A on transcript NM_000548.5 (MANE Select); coding-DNA position 4375, C replaced by A.
Protein change: p.Arg1459=; no amino-acid change (arginine 1459 retained).
Molecular consequence: synonymous variant.
Genome position (GRCh38, 1-based): chr16:2,084,597, C>A. VCF-style: chr16-2084597-C-A. GRCh37 (hg19) VCF-style: chr16-2134598-C-A.
Other names: c.4174C>A, p.Arg1392= (NM_001077183.3); c.4306C>A, p.Arg1436= (NM_001114382.3); c.4066C>A, p.Arg1356= (NM_001318827.2); c.4030C>A, p.Arg1344= (NM_001318829.2); c.3643C>A, p.Arg1215= (NM_001318831.2); c.4207C>A, p.Arg1403= (NM_001318832.2); c.4177C>A, p.Arg1393= (NM_001363528.2); c.4243C>A, p.Arg1415= (NM_001370404.1); and 2 more.
Identifiers: ClinVar variation 1061646 (VCV001061646.11), dbSNP rs45517340, ClinGen allele CA493043499.